The following is an entry in ClinVar:

NM_000381.4(MID1):c.1354G>A (p.Gly452Ser)

Gene: MID1 (midline 1; minus strand). Cytogenetic location: Xp22.2.
Variant type: single nucleotide variant.
Coding change: c.1354G>A on transcript NM_000381.4 (MANE Select); coding-DNA position 1354, G replaced by A.
Protein change: p.Gly452Ser; replaces glycine 452 with serine.
Molecular consequence: missense variant.
Genome position (GRCh38, 1-based): chrX:10,459,739, C>T on the plus strand (G>A on the coding strand, the complement: MID1 is on the minus strand). VCF-style: chrX-10459739-C-T. GRCh37 (hg19) VCF-style: chrX-10427779-C-T.
Other names: c.1354G>A, p.Gly452Ser (NM_001098624.2, NM_001193277.1, NM_001347733.2 and 1 more transcripts); c.1240G>A, p.Gly414Ser (NM_033289.2); short protein forms G452S, G414S.
Identifiers: ClinVar variation 546092 (VCV000546092.6), dbSNP rs1556004404, ClinGen allele CA412051265.

ClinVar aggregate classification (germline): Pathogenic (1 of 4 stars; one submission).

Allele frequency attached by ClinVar (database versions not stated): TOPMed below 0.00001; gnomAD 0.00001.
gnomAD v4.1: 1 of 1,208,572 alleles (0.000083%); highest among the groups gnomAD compares: African/African-American, 0.0017%; no homozygotes.

Submission:

GeneDx
Classification: Pathogenic. Last evaluated: 2025-12-05. Review status: criteria provided, single submitter. Criteria: GeneDx Variant Classification Process June 2021. Collection method: clinical testing. Allele origin: germline. Affected: yes.
Comment: In silico analysis supports that this missense variant has a deleterious effect on protein structure/function; Not observed at significant frequency in large population cohorts (gnomAD); This variant is associated with the following publications: (PMID: 16378742, 15121778, 37498300)